The following is an entry in ClinVar:

NM_007289.4(MME):c.197-4G>C

Gene: MME (membrane metalloendopeptidase; plus strand). Cytogenetic location: 3q25.2.
Variant type: single nucleotide variant.
Coding change: c.197-4G>C on transcript NM_007289.4 (MANE Select); 4 bases into the intron before coding-DNA position 197, G replaced by C.
Molecular consequence: intron variant.
Genome position (GRCh38, 1-based): chr3:155,114,990, G>C. VCF-style: chr3-155114990-G-C. GRCh37 (hg19) VCF-style: chr3-154832779-G-C.
Other names: c.197-4G>C (NM_001354642.2, NM_000902.5, NM_007287.4 and 2 more transcripts).
Identifiers: ClinVar variation 735468 (VCV000735468.50), dbSNP rs201829141, ClinGen allele CA2675076.
Genomic context (GRCh38, chr3:155,114,990, plus strand): 5'-CTCCTTTTAAGCCTCTTAAGAAATAAACCCATCATTTTATCTAGTGTTTTCTCTGCTCTT[G>C]CAGCTGCTCGACTGATCCAAAACATGGATGCCACCACTGAGCCTTGTACAGACTTTTTCA-3'

ClinVar aggregate classification (germline): Benign/Likely benign. Review status: criteria provided, multiple submitters, no conflicts (2 of 4 stars). 3 submissions from 3 submitters: Benign (1); Likely benign (2). Last evaluated 2026-07-01.

Allele frequency attached by ClinVar (database versions not stated): TOPMed 0.00031; gnomAD 0.00034 and 0.00064; ESP Exome Variant Server 0.00054; gnomAD exomes 0.00073 and 0.00116; ExAC 0.00120; 1000 Genomes Project 0.00140; 1000 Genomes Project 30x 0.00156.
gnomAD v4.1: 1,170 of 1,613,852 alleles (0.072%); highest among the groups gnomAD compares: South Asian, 0.75%; 9 homozygotes.

Submissions (3):

CeGaT Center for Human Genetics Tuebingen
Classification: Likely benign. Last evaluated: 2026-07-01. Review status: criteria provided, single submitter. Criteria: CeGaT Center For Human Genetics Tuebingen Variant Classification Criteria Version 2. Collection method: clinical testing. Allele origin: germline. Affected: yes. Observed: 2 variant alleles.
Comment: MME: BP4, BS2

Labcorp Genetics (formerly Invitae), Labcorp
Classification: Benign. Last evaluated: 2026-01-19. Review status: criteria provided, single submitter. Criteria: Invitae Variant Classification Sherloc (09022015). Collection method: clinical testing. Allele origin: germline.

Blueprint Genetics
Classification: Likely benign. Last evaluated: 2024-11-20. Review status: criteria provided, single submitter. Criteria: ACMG Guidelines, 2015. Collection method: clinical testing. Allele origin: germline.